The following is an entry in ClinVar:

ClinVar aggregate classification (germline): Pathogenic/Likely pathogenic. Review status: criteria provided, multiple submitters, no conflicts (2 of 4 stars). 2 submissions from 2 submitters: Pathogenic (1); Likely pathogenic (1). Last evaluated 2025-08-21.

Conditions:
Hereditary spastic paraplegia 45. Also called: Spastic paraplegia 45, autosomal recessive; SPASTIC PARAPLEGIA 45. Identifiers: Orphanet 320396, MedGen C3888209, MONDO:0013165, OMIM 613162.
NT5C2-related disorder. Also called: NT5C2-related condition.

Submissions (2):

Labcorp Genetics (formerly Invitae), Labcorp
Classification: Pathogenic for Hereditary spastic paraplegia 45. Last evaluated: 2025-08-21. Review status: criteria provided, single submitter. Criteria: Invitae Variant Classification Sherloc (09022015). Collection method: clinical testing. Allele origin: germline.
Comment: This sequence change creates a premature translational stop signal (p.Leu370Trpfs*2) in the NT5C2 gene. It is expected to result in an absent or disrupted protein product. Loss-of-function variants in NT5C2 are known to be pathogenic (PMID: 24482476). This variant is not present in population databases (gnomAD no frequency). This variant has not been reported in the literature in individuals affected with NT5C2-related conditions. ClinVar contains an entry for this variant (Variation ID: 1981323). For these reasons, this variant has been classified as Pathogenic.

Blueprint Genetics
Classification: Likely pathogenic for NT5C2-related disorders. Last evaluated: 2023-10-26. Review status: criteria provided, single submitter. Criteria: ACMG Guidelines, 2015. Collection method: clinical testing. Allele origin: germline. Affected: yes. Observed: 4 variant alleles.

Literature cited by the submitters: PubMed 24482476 (cited by Labcorp Genetics (formerly Invitae), Labcorp).

NM_001351169.2(NT5C2):c.1109del (p.Leu370fs)

Gene: NT5C2 (5'-nucleotidase, cytosolic II; minus strand). Cytogenetic location: 10q24.32.
Variant type: Deletion.
Coding change: c.1109del on transcript NM_001351169.2 (MANE Select); coding-DNA position 1109, one base deleted (T; older notation c.1109delT).
Protein change: p.Leu370fs; shifts the reading frame from leucine 370.
Molecular consequence: frameshift variant.
Genome position (GRCh38, 1-based): chr10:103,093,189, A deleted on the plus strand (T on the coding strand, the reverse complement: NT5C2 is on the minus strand); the first of 6 consecutive A bases (chr10:103,093,189-103,093,194); deleting any one gives the same sequence. VCF-style (leftmost placement, unchanged base first): chr10-103093188-CA-C. GRCh37 (hg19) VCF-style: chr10-104852945-CA-C.
Other names: c.1109del, p.Leu370fs (NM_001134373.3, NM_012229.5); c.1133del, p.Leu378fs (NM_001351170.2, NM_001351171.2, NM_001351172.2 and 1 more transcripts); c.1022del, p.Leu341fs (NM_001351174.1); c.1016del, p.Leu339fs (NM_001351175.2); c.536del, p.Leu179fs (NM_001351176.2, NM_001351177.2, NM_001351178.2 and 16 more transcripts); c.395del, p.Leu132fs (NM_001351194.2, NM_001351195.2, NM_001351196.2); short protein forms L179fs, L370fs, L339fs, L341fs, L132fs, L378fs.
Identifiers: ClinVar variation 1981323 (VCV001981323.5), dbSNP rs1458171628, ClinGen allele CA595697414.